The following is an entry in ClinVar:

NM_004336.5(BUB1):c.880G>A (p.Asp294Asn)

Gene: BUB1 (BUB1 mitotic checkpoint serine/threonine kinase; minus strand). Cytogenetic location: 2q13.
Variant type: single nucleotide variant.
Coding change: c.880G>A on transcript NM_004336.5 (MANE Select); coding-DNA position 880, G replaced by A.
Protein change: p.Asp294Asn; replaces aspartic acid 294 with asparagine.
Molecular consequence: missense variant.
Genome position (GRCh38, 1-based): chr2:110,666,340, C>T on the plus strand (G>A on the coding strand, the complement: BUB1 is on the minus strand). VCF-style: chr2-110666340-C-T. GRCh37 (hg19) VCF-style: chr2-111423917-C-T.
Other names: c.820G>A, p.Asp274Asn (NM_001278616.2); c.880G>A, p.Asp294Asn (NM_001278617.2); short protein forms D274N, D294N.
Identifiers: ClinVar variation 4704271 (VCV004704271.1).

ClinVar aggregate classification (germline): Uncertain significance (1 of 4 stars; one submission).

gnomAD v4.1: 44 of 1,534,562 alleles (0.0029%); highest among the groups gnomAD compares: East Asian, 0.088%; 1 homozygote.

Submission:

Labcorp Genetics (formerly Invitae), Labcorp
Classification: Uncertain significance. Last evaluated: 2025-07-20. Review status: criteria provided, single submitter. Criteria: Invitae Variant Classification Sherloc (09022015). Collection method: clinical testing. Allele origin: germline.
Comment: This sequence change replaces aspartic acid, which is acidic and polar, with asparagine, which is neutral and polar, at codon 294 of the BUB1 protein (p.Asp294Asn). This variant is present in population databases (rs561349655, gnomAD 0.09%), and has an allele count higher than expected for a pathogenic variant. This variant has not been reported in the literature in individuals affected with BUB1-related conditions. Experimental studies and prediction algorithms are not available or were not evaluated, and the functional significance of this variant is currently unknown. In summary, the available evidence is currently insufficient to determine the role of this variant in disease. Therefore, it has been classified as a Variant of Uncertain Significance.